The following is an entry in ClinVar:

NM_000428.3(LTBP2):c.2462G>A (p.Gly821Glu)

Gene: LTBP2 (latent transforming growth factor beta binding protein 2; minus strand). Cytogenetic location: 14q24.3.
Variant type: single nucleotide variant.
Coding change: c.2462G>A on transcript NM_000428.3 (MANE Select); coding-DNA position 2462, G replaced by A.
Protein change: p.Gly821Glu; replaces glycine 821 with glutamic acid.
Molecular consequence: missense variant.
Genome position (GRCh38, 1-based): chr14:74,525,192, C>T on the plus strand (G>A on the coding strand, the complement: LTBP2 is on the minus strand). VCF-style: chr14-74525192-C-T. GRCh37 (hg19) VCF-style: chr14-74991895-C-T.
Other names: c.2462G>A (NM_000428.2); short protein forms G821E.
Identifiers: ClinVar variation 1482578 (VCV001482578.6), dbSNP rs776897363, ClinGen allele CA7269496.

ClinVar aggregate classification (germline): Uncertain significance. Review status: criteria provided, multiple submitters, no conflicts (2 of 4 stars). 2 submissions from 2 submitters: Uncertain significance (2). Last evaluated 2023-11-27.

Conditions:
Inborn genetic diseases. Identifiers: MedGen C0950123, MeSH D030342.

Allele frequency attached by ClinVar (database versions not stated): gnomAD 0.00001; gnomAD exomes 0.00003 and 0.00006; TOPMed 0.00004; ExAC 0.00007.
gnomAD v4.1: 36 of 1,331,462 alleles (0.0027%); highest among the groups gnomAD compares: East Asian, 0.097%; no homozygotes.

Submissions (2):

Labcorp Genetics (formerly Invitae), Labcorp
Classification: Uncertain significance. Last evaluated: 2023-11-27. Review status: criteria provided, single submitter. Criteria: Invitae Variant Classification Sherloc (09022015). Collection method: clinical testing. Allele origin: germline.
Comment: This sequence change replaces glycine, which is neutral and non-polar, with glutamic acid, which is acidic and polar, at codon 821 of the LTBP2 protein (p.Gly821Glu). This variant is present in population databases (rs776897363, gnomAD 0.09%). This variant has not been reported in the literature in individuals affected with LTBP2-related conditions. ClinVar contains an entry for this variant (Variation ID: 1482578). Algorithms developed to predict the effect of missense changes on protein structure and function output the following: SIFT: "Not Available"; PolyPhen-2: "Benign"; Align-GVGD: "Not Available". The glutamic acid amino acid residue is found in multiple mammalian species, which suggests that this missense change does not adversely affect protein function. In summary, the available evidence is currently insufficient to determine the role of this variant in disease. Therefore, it has been classified as a Variant of Uncertain Significance.

Ambry Genetics
Classification: Uncertain significance for Inborn genetic diseases. Last evaluated: 2023-03-28. Review status: criteria provided, single submitter. Criteria: Ambry Variant Classification Scheme 2023. Collection method: clinical testing. Allele origin: germline.